The following is an entry in ClinVar:

NM_003743.5(NCOA1):c.4120A>G (p.Thr1374Ala)

Gene: NCOA1 (nuclear receptor coactivator 1; plus strand). Cytogenetic location: 2p23.3.
Variant type: single nucleotide variant.
Coding change: c.4120A>G on transcript NM_003743.5 (MANE Select); coding-DNA position 4120, A replaced by G.
Protein change: p.Thr1374Ala; replaces threonine 1374 with alanine.
Molecular consequence: missense variant.
Genome position (GRCh38, 1-based): chr2:24,762,741, A>G. VCF-style: chr2-24762741-A-G. GRCh37 (hg19) VCF-style: chr2-24985610-A-G.
Other names: c.4120A>G, p.Thr1374Ala (NM_001362950.1, NM_001362952.1, NM_001362954.1 and 3 more transcripts); short protein forms T1374A.
Identifiers: ClinVar variation 3878195 (VCV003878195.2).

ClinVar aggregate classification (germline): Uncertain significance. Review status: criteria provided, multiple submitters, no conflicts (2 of 4 stars). 2 submissions from 2 submitters: Uncertain significance (2). Last evaluated 2026-06-06.

Conditions:
NCOA1-related disorder. Also called: NCOA1-related condition.

gnomAD v4.1: 11 of 1,614,114 alleles (0.00068%); highest among the groups gnomAD compares: Non-Finnish European, 0.00085%; no homozygotes.

Submissions (2):

PreventionGenetics, part of Exact Sciences
Classification: Uncertain significance for NCOA1-related condition. Last evaluated: 2026-06-06. Review status: criteria provided, single submitter. Criteria: ACMG Guidelines, 2015. Collection method: clinical testing. Allele origin: germline.
Comment: The NCOA1 c.4120A>G variant is predicted to result in the amino acid substitution p.Thr1374Ala. To our knowledge, this variant has not been reported in the literature. This variant is reported in 0.00088% of alleles in individuals of European (Non-Finnish) descent in gnomAD. At this time, the clinical significance of this variant is uncertain due to the absence of conclusive functional and genetic evidence.

Ambry Genetics
Classification: Uncertain significance. Last evaluated: 2025-02-20. Review status: criteria provided, single submitter. Criteria: Ambry Variant Classification Scheme 2023. Collection method: clinical testing. Allele origin: germline.